The following is an entry in ClinVar:

ClinVar aggregate classification (germline): Uncertain significance (1 of 4 stars; one submission).

Conditions:
Hereditary cancer-predisposing syndrome. Also called: Neoplastic Syndromes, Hereditary; Tumor predisposition; Hereditary Cancer Syndrome; Hereditary neoplastic syndrome. Identifiers: Orphanet 140162, MedGen C0027672, MeSH D009386, MONDO:0015356.

Submission:

Ambry Genetics
Classification: Uncertain significance for Hereditary cancer-predisposing syndrome. Last evaluated: 2022-02-26. Review status: criteria provided, single submitter. Criteria: Ambry Variant Classification Scheme 2023. Collection method: clinical testing. Allele origin: germline.
Comment: The p.A743V variant (also known as c.2228C>T), located in coding exon 12 of the RET gene, results from a C to T substitution at nucleotide position 2228. The alanine at codon 743 is replaced by valine, an amino acid with similar properties. This amino acid position is conserved. In addition, this alteration is predicted to be deleterious by in silico analysis. Since supporting evidence is limited at this time, the clinical significance of this alteration remains unclear.

NM_020975.6(RET):c.2228C>T (p.Ala743Val)

Gene: RET (ret proto-oncogene; plus strand). Cytogenetic location: 10q11.21.
Variant type: single nucleotide variant.
Coding change: c.2228C>T on transcript NM_020975.6 (MANE Select); coding-DNA position 2228, C replaced by T.
Protein change: p.Ala743Val; replaces alanine 743 with valine.
Molecular consequence: missense variant.
Genome position (GRCh38, 1-based): chr10:43,116,675, C>T. VCF-style: chr10-43116675-C-T. GRCh37 (hg19) VCF-style: chr10-43612123-C-T.
Other names: c.2228C>T, p.Ala743Val (NM_000323.2, NM_001406743.1, NM_001406744.1 and 4 more transcripts); c.1466C>T, p.Ala489Val (NM_001355216.2); c.2099C>T, p.Ala700Val (NM_001406761.1, NM_001406762.1, NM_001406764.1); c.2093C>T, p.Ala698Val (NM_001406763.1, NM_001406765.1); c.1940C>T, p.Ala647Val (NM_001406766.1, NM_001406767.1, NM_001406770.1); c.1964C>T, p.Ala655Val (NM_001406768.1); c.1832C>T, p.Ala611Val (NM_001406769.1, NM_001406772.1); c.1790C>T, p.Ala597Val (NM_001406771.1, NM_001406773.1); and 10 more; short protein forms A308V, A348V, A444V, A489V, A700V, A260V, A404V, A413V.
Identifiers: ClinVar variation 1788023 (VCV001788023.2), dbSNP rs2132907054, ClinGen allele CA376554607.